The following is an entry in ClinVar:

ClinVar aggregate classification (germline): Uncertain significance. Review status: criteria provided, multiple submitters, no conflicts (2 of 4 stars). 2 submissions from 2 submitters: Uncertain significance (2). Last evaluated 2024-10-24.

Conditions:
Emery-Dreifuss muscular dystrophy 4, autosomal dominant (EDMD4). Also called: EMERY-DREIFUSS MUSCULAR DYSTROPHY 4 WITH VARIABLE FEATURES. Identifiers: Orphanet 261, MedGen C2751807, MONDO:0013071, OMIM 612998.
Autosomal recessive ataxia, Beauce type. Also called: SYNE1-Related Autosomal Recessive Cerebellar Ataxia; Spinocerebellar ataxia, autosomal recessive 8; ATAXIA, RECESSIVE, OF BEAUCE; SYNE1 Deficiency. Identifiers: Orphanet 88644, MedGen C1853116, MONDO:0012549, OMIM 610743.

Allele frequency attached by ClinVar (database versions not stated): gnomAD 0.00001; gnomAD exomes 0.00001.
gnomAD v4.1: 4 of 1,614,032 alleles (0.00025%); highest among the groups gnomAD compares: Admixed American, 0.005%; no homozygotes.

Submissions (2):

Labcorp Genetics (formerly Invitae), Labcorp
Classification: Uncertain significance for Emery-Dreifuss muscular dystrophy 4, autosomal dominant; Autosomal recessive ataxia, Beauce type. Last evaluated: 2024-10-24. Review status: criteria provided, single submitter. Criteria: Invitae Variant Classification Sherloc (09022015). Collection method: clinical testing. Allele origin: germline.
Comment: This sequence change replaces glutamine, which is neutral and polar, with arginine, which is basic and polar, at codon 5499 of the SYNE1 protein (p.Gln5499Arg). This variant is not present in population databases (gnomAD no frequency). This variant has not been reported in the literature in individuals affected with SYNE1-related conditions. ClinVar contains an entry for this variant (Variation ID: 1402896). An algorithm developed to predict the effect of missense changes on protein structure and function (PolyPhen-2) suggests that this variant is likely to be disruptive. Algorithms developed to predict the effect of sequence changes on RNA splicing suggest that this variant may disrupt the consensus splice site. In summary, the available evidence is currently insufficient to determine the role of this variant in disease. Therefore, it has been classified as a Variant of Uncertain Significance.

ARUP Laboratories, Molecular Genetics and Genomics, ARUP Laboratories
Classification: Uncertain significance. Last evaluated: 2023-06-28. Review status: criteria provided, single submitter. Criteria: ARUP Molecular Germline Variant Investigation Process 2024. Collection method: clinical testing. Allele origin: germline.

NM_182961.4(SYNE1):c.16709A>G (p.Gln5570Arg)

Gene: SYNE1 (spectrin repeat containing nuclear envelope protein 1; minus strand). Cytogenetic location: 6q25.2.
Variant type: single nucleotide variant.
Coding change: c.16709A>G on transcript NM_182961.4 (MANE Select); coding-DNA position 16709, A replaced by G.
Protein change: p.Gln5570Arg; replaces glutamine 5570 with arginine.
Molecular consequence: missense variant.
Genome position (GRCh38, 1-based): chr6:152,316,850, T>C on the plus strand (A>G on the coding strand, the complement: SYNE1 is on the minus strand). VCF-style: chr6-152316850-T-C. GRCh37 (hg19) VCF-style: chr6-152637985-T-C.
Other names: c.16496A>G, p.Gln5499Arg (NM_033071.5); short protein forms Q5570R, Q5499R.
Identifiers: ClinVar variation 1402896 (VCV001402896.7), dbSNP rs928178334, ClinGen allele CA150210711.